The following is an entry in ClinVar:

ClinVar aggregate classification (germline): Uncertain significance (1 of 4 stars; one submission).

Conditions:
EGFR-related lung cancer (EGFR). Identifiers: MedGen CN130014.

Submission:

Labcorp Genetics (formerly Invitae), Labcorp
Classification: Uncertain significance for EGFR-related lung cancer. Last evaluated: 2022-08-09. Review status: criteria provided, single submitter. Criteria: Invitae Variant Classification Sherloc (09022015). Collection method: clinical testing. Allele origin: germline.
Comment: Variants that disrupt the consensus splice site are a relatively common cause of aberrant splicing (PMID: 17576681, 9536098). Algorithms developed to predict the effect of sequence changes on RNA splicing suggest that this variant may disrupt the consensus splice site. This sequence change falls in intron 26 of the EGFR gene. It does not directly change the encoded amino acid sequence of the EGFR protein. It affects a nucleotide within the consensus splice site. This variant is not present in population databases (gnomAD no frequency). This variant has not been reported in the literature in individuals affected with EGFR-related conditions. ClinVar contains an entry for this variant (Variation ID: 1062930). In summary, the available evidence is currently insufficient to determine the role of this variant in disease. Therefore, it has been classified as a Variant of Uncertain Significance.

Literature cited by the submitters: PubMed 17576681; PubMed 9536098.

NM_005228.5(EGFR):c.3162+3A>G

Gene: EGFR (epidermal growth factor receptor; plus strand). Cytogenetic location: 7p11.2.
Variant type: single nucleotide variant.
Coding change: c.3162+3A>G on transcript NM_005228.5 (MANE Select); 3 bases into the intron after coding-DNA position 3162, A replaced by G.
Molecular consequence: intron variant.
Genome position (GRCh38, 1-based): chr7:55,201,785, A>G. VCF-style: chr7-55201785-A-G. GRCh37 (hg19) VCF-style: chr7-55269478-A-G.
Other names: c.3027+3A>G (NM_001346899.2, NM_001346897.2); c.2361+3A>G (NM_001346941.2); c.3162+3A>G (NM_001346898.2); c.3003+3A>G (NM_001346900.2).
Identifiers: ClinVar variation 1062930 (VCV001062930.7), dbSNP rs2128972561, ClinGen allele CA2499218947.